The following is an entry in ClinVar:

NM_001005373.4(LRSAM1):c.1600-106A>G

Gene: LRSAM1 (leucine rich repeat and sterile alpha motif containing 1; plus strand). Cytogenetic location: 9q33.3.
Variant type: single nucleotide variant.
Coding change: c.1600-106A>G on transcript NM_001005373.4 (MANE Select); 106 bases into the intron before coding-DNA position 1600, A replaced by G.
Molecular consequence: intron variant.
Genome position (GRCh38, 1-based): chr9:127,495,214, A>G. VCF-style: chr9-127495214-A-G. GRCh37 (hg19) VCF-style: chr9-130257493-A-G.
Other names: NC_000009.11:g.130257493A>G; c.1600-106A>G (NM_138361.5, NM_001384142.1, NM_001005374.4); c.1600-750A>G (NM_001384143.1); c.1519-106A>G (NM_001190723.3); c.811-106A>G (NM_001384144.1).
Identifiers: ClinVar variation 4352029 (VCV004352029.7).
Genomic context (GRCh38, chr9:127,495,214, plus strand): 5'-TGTTGGTCAGGCTGGTCTTGAACTCCCGACCTCAGGTGATCTGCCCACCTTGGCCCCCCA[A>G]AGTGCTGGGATTACAGGCATGAGCCACCGCGCCTGGCAACCATCATTGTTATTACAGGTT-3'

ClinVar aggregate classification (germline): Likely benign (1 of 4 stars; one submission).

gnomAD v4.1: 5,025 of 1,022,318 alleles (0.49%); highest among the groups gnomAD compares: Middle Eastern, 1.3%; 21 homozygotes.

Submissions (3):

CeGaT Center for Human Genetics Tuebingen
Classification: Likely benign. Last evaluated: 2026-09-01. Review status: criteria provided, single submitter. Criteria: CeGaT Center For Human Genetics Tuebingen Variant Classification Criteria Version 2. Collection method: clinical testing. Allele origin: germline. Affected: yes. Observed: 7 variant alleles.
Comment: LRSAM1: BS2

Dr. Peter K. Rogan Lab, Western University
No classification provided (evidence only). Condition: Cervical cancer. Review status: no classification provided. Collection method: in vitro. Allele origin: not applicable. Functional consequence: skipped exon. Not counted in ClinVar's aggregate classification.

Dr. Peter K. Rogan Lab, Western University
No classification provided (evidence only). Condition: Sarcoma. Review status: no classification provided. Collection method: in vitro. Allele origin: not applicable. Functional consequence: retained intron. Not counted in ClinVar's aggregate classification.